The following is an entry in ClinVar:

NM_001038603.3(MARVELD2):c.430T>G (p.Phe144Val)

Gene: MARVELD2 (MARVEL domain containing 2; plus strand). Cytogenetic location: 5q13.2.
Variant type: single nucleotide variant.
Coding change: c.430T>G on transcript NM_001038603.3 (MANE Select); coding-DNA position 430, T replaced by G.
Protein change: p.Phe144Val; replaces phenylalanine 144 with valine.
Molecular consequence: missense variant.
Genome position (GRCh38, 1-based): chr5:69,419,815, T>G. VCF-style: chr5-69419815-T-G. GRCh37 (hg19) VCF-style: chr5-68715642-T-G.
Other names: c.430T>G, p.Phe144Val (NM_001244734.2); c.430T>G (NM_001038603.2); short protein forms F144V.
Identifiers: ClinVar variation 2964947 (VCV002964947.4), dbSNP rs370885460, ClinGen allele CA3294043.

ClinVar aggregate classification (germline): Uncertain significance. Review status: criteria provided, multiple submitters, no conflicts (2 of 4 stars). 2 submissions from 2 submitters: Uncertain significance (2). Last evaluated 2024-03-19.

Allele frequency attached by ClinVar (database versions not stated): gnomAD 0.00002; gnomAD exomes 0.00003; TOPMed 0.00003; ExAC 0.00004; ESP Exome Variant Server 0.00008.
gnomAD v4.1: 45 of 1,614,066 alleles (0.0028%); highest among the groups gnomAD compares: Non-Finnish European, 0.0035%; no homozygotes.

Submissions (2):

GeneDx
Classification: Uncertain significance. Last evaluated: 2024-03-19. Review status: criteria provided, single submitter. Criteria: GeneDx Variant Classification Process June 2021. Collection method: clinical testing. Allele origin: germline. Affected: yes.
Comment: Not observed at significant frequency in large population cohorts (gnomAD); In silico analysis supports that this missense variant has a deleterious effect on protein structure/function; Has not been previously published as pathogenic or benign to our knowledge

Labcorp Genetics (formerly Invitae), Labcorp
Classification: Uncertain significance. Last evaluated: 2023-02-09. Review status: criteria provided, single submitter. Criteria: Invitae Variant Classification Sherloc (09022015). Collection method: clinical testing. Allele origin: germline.
Comment: In summary, the available evidence is currently insufficient to determine the role of this variant in disease. Therefore, it has been classified as a Variant of Uncertain Significance. This sequence change replaces phenylalanine, which is neutral and non-polar, with valine, which is neutral and non-polar, at codon 144 of the MARVELD2 protein (p.Phe144Val). This variant is present in population databases (rs370885460, gnomAD 0.005%). This variant has not been reported in the literature in individuals affected with MARVELD2-related conditions. Advanced modeling of protein sequence and biophysical properties (such as structural, functional, and spatial information, amino acid conservation, physicochemical variation, residue mobility, and thermodynamic stability) performed at Invitae indicates that this missense variant is not expected to disrupt MARVELD2 protein function.